The following is an entry in ClinVar:

ClinVar aggregate classification (germline): Likely benign. Review status: criteria provided, multiple submitters, no conflicts (2 of 4 stars). 4 submissions from 4 submitters: Likely benign (4). Last evaluated 2025-10-07.

Conditions:
Cardiovascular phenotype. Identifiers: MedGen CN230736.
Walker-Warburg congenital muscular dystrophy. Also called: Muscular dystrophy-dystroglycanopathy, type A; Walker-Warburg syndrome. Identifiers: Orphanet 899, MedGen C0265221, MONDO:0000171.

Allele frequency attached by ClinVar (database versions not stated): ExAC below 0.00001; gnomAD exomes 0.00003; gnomAD 0.00007; TOPMed 0.00007.
gnomAD v4.1: 149 of 1,512,904 alleles (0.0098%); highest among the groups gnomAD compares: Non-Finnish European, 0.012%; no homozygotes.

Submissions (4):

Labcorp Genetics (formerly Invitae), Labcorp
Classification: Likely benign for Walker-Warburg congenital muscular dystrophy. Last evaluated: 2025-10-07. Review status: criteria provided, single submitter. Criteria: Invitae Variant Classification Sherloc (09022015). Collection method: clinical testing. Allele origin: germline.

CeGaT Center for Human Genetics Tuebingen
Classification: Likely benign. Last evaluated: 2022-07-01. Review status: criteria provided, single submitter. Criteria: CeGaT Center For Human Genetics Tuebingen Variant Classification Criteria Version 2. Collection method: clinical testing. Allele origin: germline. Affected: yes. Observed: 1 variant allele.
Comment: FKRP: BP4, BP7

GeneDx
Classification: Likely benign. Last evaluated: 2020-05-15. Review status: criteria provided, single submitter. Criteria: GeneDx Variant Classification Process June 2021. Collection method: clinical testing. Allele origin: germline. Affected: yes.

Ambry Genetics
Classification: Likely benign for Cardiovascular phenotype. Last evaluated: 2019-09-19. Review status: criteria provided, single submitter. Criteria: Ambry Variant Classification Scheme 2023. Collection method: clinical testing. Allele origin: germline.

NM_024301.5(FKRP):c.360C>T (p.Tyr120=)

Gene: FKRP (fukutin related protein; plus strand). Cytogenetic location: 19q13.32.
Variant type: single nucleotide variant.
Coding change: c.360C>T on transcript NM_024301.5 (MANE Select); coding-DNA position 360, C replaced by T.
Protein change: p.Tyr120=; no amino-acid change (tyrosine 120 retained).
Molecular consequence: synonymous variant.
Genome position (GRCh38, 1-based): chr19:46,755,810, C>T. VCF-style: chr19-46755810-C-T. GRCh37 (hg19) VCF-style: chr19-47259067-C-T.
Other names: c.360C>T, p.Tyr120= (NM_001039885.3).
Identifiers: ClinVar variation 528834 (VCV000528834.40), dbSNP rs781576638, ClinGen allele CA9532146.